The following is an entry in ClinVar:

NM_000384.3(APOB):c.7542G>A (p.Glu2514=)

Gene: APOB (apolipoprotein B; minus strand). Cytogenetic location: 2p24.1.
Variant type: single nucleotide variant.
Coding change: c.7542G>A on transcript NM_000384.3 (MANE Select); coding-DNA position 7542, G replaced by A.
Protein change: p.Glu2514=; no amino-acid change (glutamic acid 2514 retained).
Molecular consequence: synonymous variant.
Genome position (GRCh38, 1-based): chr2:21,009,326, C>T on the plus strand (G>A on the coding strand, the complement: APOB is on the minus strand). VCF-style: chr2-21009326-C-T. GRCh37 (hg19) VCF-style: chr2-21232198-C-T.
Identifiers: ClinVar variation 919166 (VCV000919166.11), dbSNP rs1663241782, ClinGen allele CA425344984.

ClinVar aggregate classification (germline): Likely benign. Review status: criteria provided, multiple submitters, no conflicts (2 of 4 stars). 2 submissions from 2 submitters: Likely benign (2). Last evaluated 2026-04-27.

Conditions:
Hypercholesterolemia, autosomal dominant, type B (FHCL2). Also called: APOLIPOPROTEIN B-100, FAMILIAL DEFECTIVE; APOLIPOPROTEIN B-100, FAMILIAL LIGAND-DEFECTIVE; HYPERCHOLESTEROLEMIA, FAMILIAL, DUE TO LIGAND-DEFECTIVE APOLIPOPROTEIN B; Familial Hypercholesterolemia Type B; Hyperlipoproteinemia Type IIb; Familial hypercholesterolemia 2. Identifiers: MedGen C1704417, MONDO:0007751, OMIM 144010.
Familial hypobetalipoproteinemia 1. Also called: APOB-Related Familial Hypobetalipoproteinemia; Hypobetalipoproteinemia, normotriglyceridemic; Acanthocytosis with hypobetalipoproteinemia. Identifiers: MedGen C4551990, MONDO:0014252, OMIM 615558.
Familial hypercholesterolemia. Also called: Familial hypercholesterolemias; Familial hypercholesterolaemia. Identifiers: MedGen C0020445, MONDO:0005439.

Submissions (2):

GENinCode PLC
Classification: Likely benign for Familial hypercholesterolemia. Last evaluated: 2026-04-27. Review status: criteria provided, single submitter. Criteria: ACMG Guidelines, 2015. Collection method: clinical testing. Allele origin: germline.
Comment: This is a synonymous (silent) variant that is not predicted to impact splicing and occurs at a nucleotide which is not highly conserved. This variant has been classified as Likely Benign (BP4, BP7).

Labcorp Genetics (formerly Invitae), Labcorp
Classification: Likely benign for Familial hypobetalipoproteinemia 1; Hypercholesterolemia, autosomal dominant, type B. Last evaluated: 2021-01-28. Review status: criteria provided, single submitter. Criteria: Invitae Variant Classification Sherloc (09022015). Collection method: clinical testing. Allele origin: germline.